The following is an entry in ClinVar:

ClinVar aggregate classification (germline): Uncertain significance. Review status: criteria provided, multiple submitters, no conflicts (2 of 4 stars). 2 submissions from 2 submitters: Uncertain significance (2). Last evaluated 2023-08-04.

Allele frequency attached by ClinVar (database versions not stated): gnomAD exomes below 0.00001.
gnomAD v4.1: 3 of 1,604,848 alleles (0.00019%); highest among the groups gnomAD compares: Middle Eastern, 0.017%; no homozygotes.

Submissions (2):

Labcorp Genetics (formerly Invitae), Labcorp
Classification: Uncertain significance. Last evaluated: 2023-08-04. Review status: criteria provided, single submitter. Criteria: Invitae Variant Classification Sherloc (09022015). Collection method: clinical testing. Allele origin: germline.
Comment: This variant has not been reported in the literature in individuals affected with COL18A1-related conditions. ClinVar contains an entry for this variant (Variation ID: 2098664). Experimental studies and prediction algorithms are not available or were not evaluated, and the functional significance of this variant is currently unknown. In summary, the available evidence is currently insufficient to determine the role of this variant in disease. Therefore, it has been classified as a Variant of Uncertain Significance. This sequence change replaces valine, which is neutral and non-polar, with alanine, which is neutral and non-polar, at codon 1225 of the COL18A1 protein (p.Val1225Ala). This variant is not present in population databases (gnomAD no frequency).

Clinical Genetics Laboratory, Skane University Hospital Lund
Classification: Uncertain significance. Last evaluated: 2022-11-10. Review status: criteria provided, single submitter. Criteria: ACMG Guidelines, 2015. Collection method: clinical testing. Allele origin: germline. Affected: yes.

NM_001379500.1(COL18A1):c.3683T>C (p.Val1228Ala)

Genes: COL18A1 (collagen type XVIII alpha 1 chain; plus strand), SLC19A1 (solute carrier family 19 member 1; minus strand). Cytogenetic location: 21q22.3.
Variant type: single nucleotide variant.
Coding change: c.3683T>C on transcript NM_001379500.1 (MANE Select); coding-DNA position 3683, T replaced by C.
Protein change: p.Val1228Ala; replaces valine 1228 with alanine.
Molecular consequence: missense variant.
Genome position (GRCh38, 1-based): chr21:45,510,251, T>C. VCF-style: chr21-45510251-T-C. GRCh37 (hg19) VCF-style: chr21-46930165-T-C.
Other names: c.4214T>C, p.Val1405Ala (NM_030582.4); c.4919T>C, p.Val1640Ala (NM_130444.3); short protein forms V1228A, V1640A, V1405A.
Identifiers: ClinVar variation 2098664 (VCV002098664.5), dbSNP rs1179534058, ClinGen allele CA410501805.